The following is an entry in ClinVar:

ClinVar aggregate classification (germline): Likely benign. Review status: criteria provided, multiple submitters, no conflicts (2 of 4 stars). 5 submissions from 5 submitters: Likely benign (4). 1 of the submissions does not count toward it. Last evaluated 2026-02-02.

Conditions:
DSE-related disorder. Also called: DSE-related condition.
Ehlers-Danlos syndrome, musculocontractural type 2 (EDSMC2). Identifiers: Orphanet 2953, MedGen C3809845, MONDO:0014236, OMIM 615539.

Allele frequency attached by ClinVar (database versions not stated): gnomAD exomes 0.00013 and 0.00026; ExAC 0.00026; ESP Exome Variant Server 0.00085; 1000 Genomes Project 0.00100; 1000 Genomes Project 30x 0.00109; TOPMed 0.00137; gnomAD 0.00142 and 0.00153.
gnomAD v4.1: 416 of 1,614,182 alleles (0.026%); highest among the groups gnomAD compares: African/African-American, 0.52%; 3 homozygotes.

Submissions (5):

Labcorp Genetics (formerly Invitae), Labcorp
Classification: Likely benign for Ehlers-Danlos syndrome, musculocontractural type 2. Last evaluated: 2026-02-02. Review status: criteria provided, single submitter. Criteria: Invitae Variant Classification Sherloc (09022015). Collection method: clinical testing. Allele origin: germline.

Women's Health and Genetics/Laboratory Corporation of America, LabCorp
Classification: Likely benign. Last evaluated: 2025-01-03. Review status: criteria provided, single submitter. Criteria: LabCorp Variant Classification Summary - May 2015. Collection method: clinical testing. Allele origin: germline.
Comment: Variant summary: DSE c.2120C>G (p.Ser707Cys) results in a non-conservative amino acid change in the encoded protein sequence. Two of four in-silico tools predict a benign effect of the variant on protein function. The variant allele was found at a frequency of 0.00026 in 250908 control chromosomes, predominantly at a frequency of 0.0037 within the African or African-American subpopulation in the gnomAD database, including 1 homozygote. The observed variant frequency within African or African-American control individuals in the gnomAD database is approximately 3 fold of the estimated maximal expected allele frequency for a pathogenic variant in DSE causing Ehlers-Danlos syndrome, musculocontractural type 2 phenotype (0.0011). To our knowledge, no occurrence of c.2120C>G in individuals affected with Ehlers-Danlos syndrome, musculocontractural type 2 and no experimental evidence demonstrating its impact on protein function have been reported. ClinVar contains an entry for this variant (Variation ID: 776148). Based on the evidence outlined above, the variant was classified as likely benign.

GeneDx
Classification: Likely benign. Last evaluated: 2020-11-18. Review status: criteria provided, single submitter. Criteria: GeneDx Variant Classification Process June 2021. Collection method: clinical testing. Allele origin: germline. Affected: yes.

Breakthrough Genomics
Classification: Likely benign. Review status: criteria provided, single submitter. Criteria: ACMG Guidelines, 2015. Collection method: not provided. Allele origin: germline. Inheritance: Autosomal recessive inheritance. Affected: yes.

PreventionGenetics, part of Exact Sciences
Classification: Likely benign for DSE-related condition. Last evaluated: 2022-08-26. Review status: no assertion criteria provided. Collection method: clinical testing. Allele origin: germline. Not counted in ClinVar's aggregate classification.
Comment: This variant is classified as likely benign based on ACMG/AMP sequence variant interpretation guidelines (Richards et al. 2015 PMID: 25741868, with internal and published modifications).

NM_013352.4(DSE):c.2120C>G (p.Ser707Cys)

Gene: DSE (dermatan sulfate epimerase; plus strand). Cytogenetic location: 6q22.1.
Variant type: single nucleotide variant.
Coding change: c.2120C>G on transcript NM_013352.4 (MANE Select); coding-DNA position 2120, C replaced by G.
Protein change: p.Ser707Cys; replaces serine 707 with cysteine.
Molecular consequence: missense variant. On other transcripts: 3 prime UTR variant (2), non-coding transcript variant (1).
Genome position (GRCh38, 1-based): chr6:116,436,588, C>G. VCF-style: chr6-116436588-C-G. GRCh37 (hg19) VCF-style: chr6-116757751-C-G.
Other names: c.2120C>G, p.Ser707Cys (NM_001080976.3, NM_001322937.2, NM_001322938.2); c.2177C>G, p.Ser726Cys (NM_001322939.2); c.1559C>G, p.Ser520Cys (NM_001322940.2, NM_001322941.2); c.*985C>G (NM_001322943.2, NM_001322944.2); c.1121C>G, p.Ser374Cys (NM_001374520.1); c.1085C>G, p.Ser362Cys (NM_001374521.1); short protein forms S726C, S362C, S707C, S374C, S520C.
Identifiers: ClinVar variation 776148 (VCV000776148.18), dbSNP rs140975523, ClinGen allele CA3969762.